The following is an entry in ClinVar:

NM_152564.5(VPS13B):c.8264A>C (p.Glu2755Ala)

Gene: VPS13B (vacuolar protein sorting 13 homolog B; plus strand). Cytogenetic location: 8q22.2.
Variant type: single nucleotide variant.
Coding change: c.8264A>C on transcript NM_152564.5 (MANE Select); coding-DNA position 8264, A replaced by C.
Protein change: p.Glu2755Ala; replaces glutamic acid 2755 with alanine.
Molecular consequence: missense variant.
Genome position (GRCh38, 1-based): chr8:99,817,706, A>C. VCF-style: chr8-99817706-A-C. GRCh37 (hg19) VCF-style: chr8-100829934-A-C.
Other names: c.8339A>C, p.Glu2780Ala (NM_017890.5); short protein forms E2780A, E2755A.
Identifiers: ClinVar variation 2293628 (VCV002293628.3), dbSNP rs1444225206, ClinGen allele CA371773073.
Genomic context (GRCh38, chr8:99,817,706, plus strand): 5'-AACATTTTGACTGCCTCACAGCCAAACAGAAATTGCCTTCGTACATACTAGAAAACAATG[A>C]ACTGACGGAGCTGTGTGTGAAGGCCAAAGGAGATGAAGACTGGTCAAGAGATGTGTGCCT-3'
Protein context (NP_689777.3, residues 2745-2765): KLPSYILENN[Glu2755Ala]LTELCVKAKG

ClinVar aggregate classification (germline): Uncertain significance. Review status: criteria provided, multiple submitters, no conflicts (2 of 4 stars). 2 submissions from 2 submitters: Uncertain significance (2). Last evaluated 2026-03-05.

Conditions:
Inborn genetic diseases. Identifiers: MedGen C0950123, MeSH D030342.

Allele frequency attached by ClinVar (database versions not stated): gnomAD exomes below 0.00001; gnomAD 0.00001; TOPMed 0.00001.
gnomAD v4.1: 2 of 1,613,918 alleles (0.00012%); highest among the groups gnomAD compares: African/African-American, 0.0027%; no homozygotes.

Submissions (2):

GeneDx
Classification: Uncertain significance. Last evaluated: 2026-03-05. Review status: criteria provided, single submitter. Criteria: GeneDx Variant Classification Process June 2021. Collection method: clinical testing. Allele origin: germline.
Comment: Not observed at significant frequency in large population cohorts (gnomAD); In silico analysis supports that this missense variant has a deleterious effect on protein structure/function; Has not been previously published as pathogenic or benign to our knowledge

Ambry Genetics
Classification: Uncertain significance for Inborn genetic diseases. Last evaluated: 2022-06-03. Review status: criteria provided, single submitter. Criteria: Ambry Variant Classification Scheme 2023. Collection method: clinical testing. Allele origin: germline.